The following is an entry in ClinVar:

NM_000264.5(PTCH1):c.439A>G (p.Ile147Val)

Gene: PTCH1 (patched 1; minus strand). Cytogenetic location: 9q22.32.
Variant type: single nucleotide variant.
Coding change: c.439A>G on transcript NM_000264.5 (MANE Select); coding-DNA position 439, A replaced by G.
Protein change: p.Ile147Val; replaces isoleucine 147 with valine.
Molecular consequence: missense variant. On other transcripts: 5 prime UTR variant (4), non-coding transcript variant (1).
Genome position (GRCh38, 1-based): chr9:95,485,830, T>C on the plus strand (A>G on the coding strand, the complement: PTCH1 is on the minus strand). VCF-style: chr9-95485830-T-C. GRCh37 (hg19) VCF-style: chr9-98248112-T-C.
Other names: c.241A>G, p.Ile81Val (NM_001083602.3, NM_001354919.2); c.436A>G, p.Ile146Val (NM_001083603.3); c.-15A>G (NM_001083604.3, NM_001083605.3, NM_001083606.3 and 1 more transcripts); c.439A>G, p.Ile147Val (NM_001354918.2); c.241A>G (NM_001083602.1); short protein forms I147V, I81V, I146V.
Identifiers: ClinVar variation 570489 (VCV000570489.10), dbSNP rs1564063300, ClinGen allele CA374117184.

ClinVar aggregate classification (germline): Uncertain significance. Review status: criteria provided, multiple submitters, no conflicts (2 of 4 stars). 2 submissions from 2 submitters: Uncertain significance (2). Last evaluated 2026-07-07.

Conditions:
Gorlin syndrome. Also called: Nevoid Basal Cell Carcinoma Syndrome; Basal cell nevus syndrome. Identifiers: Orphanet 377, MedGen C0004779, MONDO:0007187.
Hereditary cancer-predisposing syndrome. Also called: Neoplastic Syndromes, Hereditary; Hereditary Cancer Syndrome; Hereditary neoplastic syndrome; Tumor predisposition. Identifiers: Orphanet 140162, MedGen C0027672, MeSH D009386, MONDO:0015356.

Submissions (2):

Ambry Genetics
Classification: Uncertain significance for Hereditary cancer-predisposing syndrome. Last evaluated: 2026-07-07. Review status: criteria provided, single submitter. Criteria: Ambry Variant Classification Scheme 2023. Collection method: clinical testing. Allele origin: germline.
Comment: The p.I81V variant (also known as c.241A>G), located in coding exon 3 of the PTCH1 gene, results from an A to G substitution at nucleotide position 241. The isoleucine at codon 81 is replaced by valine, an amino acid with highly similar properties. This amino acid position is conserved. In addition, the in silico prediction for this alteration is inconclusive. Based on the available evidence, the clinical significance of this variant remains unclear.

Labcorp Genetics (formerly Invitae), Labcorp
Classification: Uncertain significance for Gorlin syndrome. Last evaluated: 2021-07-22. Review status: criteria provided, single submitter. Criteria: Invitae Variant Classification Sherloc (09022015). Collection method: clinical testing. Allele origin: germline.
Comment: This sequence change replaces isoleucine with valine at codon 147 of the PTCH1 protein (p.Ile147Val). The isoleucine residue is moderately conserved and there is a small physicochemical difference between isoleucine and valine. This variant is not present in population databases (ExAC no frequency). This variant has not been reported in the literature in individuals with PTCH1-related disease. Algorithms developed to predict the effect of missense changes on protein structure and function (SIFT, PolyPhen-2, Align-GVGD) all suggest that this variant is likely to be tolerated, but these predictions have not been confirmed by published functional studies and their clinical significance is uncertain. In summary, the available evidence is currently insufficient to determine the role of this variant in disease. Therefore, it has been classified as a Variant of Uncertain Significance. Algorithms developed to predict the effect of sequence changes on RNA splicing suggest that this variant may create or strengthen a splice site, but this prediction has not been confirmed by published transcriptional studies.